The following is an entry in ClinVar:

ClinVar aggregate classification (germline): Likely benign. Review status: criteria provided, multiple submitters, no conflicts (2 of 4 stars). 4 submissions from 4 submitters: Likely benign (4). Last evaluated 2026-01-09.

Conditions:
Tuberous sclerosis 2 (TSC2). Identifiers: Orphanet 805, MedGen C1860707, MONDO:0013199, OMIM 613254.
TSC2-related disorder. Also called: TSC2-Related Disorders; TSC2-related condition.
Tuberous sclerosis syndrome (TSC). Also called: Tuberous Sclerosis Complex; Tuberous sclerosis. Identifiers: Orphanet 805, MedGen C0041341, MONDO:0001734.

Allele frequency attached by ClinVar (database versions not stated): gnomAD exomes below 0.00001; TOPMed 0.00001.
gnomAD v4.1: 1 of 1,613,714 alleles (0.000062%); highest among the groups gnomAD compares: Non-Finnish European, 0.000085%; no homozygotes.

Submissions (4):

PreventionGenetics, part of Exact Sciences
Classification: Likely benign for TSC2-related condition. Last evaluated: 2026-01-09. Review status: criteria provided, single submitter. Criteria: ACMG Guidelines, 2015. Collection method: clinical testing. Allele origin: germline.
Comment: This variant is classified as likely benign based on ACMG/AMP sequence variant interpretation guidelines (Richards et al. 2015 PMID: 25741868, with internal and published modifications).

Labcorp Genetics (formerly Invitae), Labcorp
Classification: Likely benign for Tuberous sclerosis 2. Last evaluated: 2025-08-06. Review status: criteria provided, single submitter. Criteria: Invitae Variant Classification Sherloc (09022015). Collection method: clinical testing. Allele origin: germline.

Myriad Genetics, Inc.
Classification: Likely benign for Tuberous sclerosis 2. Last evaluated: 2025-04-30. Review status: criteria provided, single submitter. Criteria: Myriad Autosomal Dominant, Autosomal Recessive and X-Linked Classification Criteria (2023). Collection method: clinical testing. Allele origin: unknown.
Comment: This variant is considered likely benign. This variant is intronic and is not expected to impact mRNA splicing.

Color Diagnostics, LLC DBA Color Health
Classification: Likely benign for Tuberous sclerosis syndrome. Last evaluated: 2022-09-08. Review status: criteria provided, single submitter. Criteria: ACMG Guidelines, 2015. Collection method: clinical testing. Allele origin: germline.

NM_000548.5(TSC2):c.139-10C>T

Gene: TSC2 (TSC complex subunit 2; plus strand). Cytogenetic location: 16p13.3.
Variant type: single nucleotide variant.
Coding change: c.139-10C>T on transcript NM_000548.5 (MANE Select); 10 bases into the intron before coding-DNA position 139, C replaced by T.
Molecular consequence: intron variant.
Genome position (GRCh38, 1-based): chr16:2,050,390, C>T. VCF-style: chr16-2050390-C-T. GRCh37 (hg19) VCF-style: chr16-2100391-C-T.
Other names: c.139-10C>T (NM_001114382.3, NM_021055.3, NM_001370405.1 and 5 more transcripts); c.-88-10C>T (NM_001318831.2); c.-9-10C>T (NM_001318829.2); c.172-10C>T (NM_001318832.2).
Identifiers: ClinVar variation 706468 (VCV000706468.12), dbSNP rs996641937, ClinGen allele CA276769325.